The following is an entry in ClinVar:

NM_006231.4(POLE):c.4954T>C (p.Tyr1652His)

Gene: POLE (DNA polymerase epsilon, catalytic subunit; minus strand). Cytogenetic location: 12q24.33.
Variant type: single nucleotide variant.
Coding change: c.4954T>C on transcript NM_006231.4 (MANE Select); coding-DNA position 4954, T replaced by C.
Protein change: p.Tyr1652His; replaces tyrosine 1652 with histidine.
Molecular consequence: missense variant.
Genome position (GRCh38, 1-based): chr12:132,642,396, A>G on the plus strand (T>C on the coding strand, the complement: POLE is on the minus strand). VCF-style: chr12-132642396-A-G. GRCh37 (hg19) VCF-style: chr12-133218982-A-G.
Other names: short protein forms Y1652H.
Identifiers: ClinVar variation 2819273 (VCV002819273.3), dbSNP rs2138532170, ClinGen allele CA387377730.

ClinVar aggregate classification (germline): Uncertain significance (1 of 4 stars; one submission).

Submission:

Labcorp Genetics (formerly Invitae), Labcorp
Classification: Uncertain significance. Last evaluated: 2022-12-07. Review status: criteria provided, single submitter. Criteria: Invitae Variant Classification Sherloc (09022015). Collection method: clinical testing. Allele origin: germline.
Comment: In summary, the available evidence is currently insufficient to determine the role of this variant in disease. Therefore, it has been classified as a Variant of Uncertain Significance. Algorithms developed to predict the effect of missense changes on protein structure and function (SIFT, PolyPhen-2, Align-GVGD) all suggest that this variant is likely to be disruptive. This variant has not been reported in the literature in individuals affected with POLE-related conditions. This variant is not present in population databases (gnomAD no frequency). This sequence change replaces tyrosine, which is neutral and polar, with histidine, which is basic and polar, at codon 1652 of the POLE protein (p.Tyr1652His).